The following is an entry in ClinVar:

NM_000551.4(VHL):c.208G>C (p.Glu70Gln)

Gene: VHL (von Hippel-Lindau tumor suppressor; plus strand). Cytogenetic location: 3p25.3.
Variant type: single nucleotide variant.
Coding change: c.208G>C on transcript NM_000551.4 (MANE Select); coding-DNA position 208, G replaced by C.
Protein change: p.Glu70Gln; replaces glutamic acid 70 with glutamine.
Molecular consequence: missense variant.
Genome position (GRCh38, 1-based): chr3:10,142,055, G>C. VCF-style: chr3-10142055-G-C. GRCh37 (hg19) VCF-style: chr3-10183739-G-C.
Other names: c.208G>C, p.Glu70Gln (NM_001354723.2, NM_198156.3); short protein forms E70Q.
Identifiers: ClinVar variation 847948 (VCV000847948.13), dbSNP rs5030802, ClinGen allele CA351748955.

ClinVar aggregate classification (germline): Likely pathogenic (1 of 4 stars; one submission).

Conditions:
Chuvash polycythemia. Also called: POLYCYTHEMIA, VHL-DEPENDENT. Identifiers: Orphanet 238557, MedGen C1837915, MONDO:0009892, OMIM 263400.
Von Hippel-Lindau syndrome (VHLS). Also called: VHL syndrome; Von Hippel-Lindau; von Hippel–Lindau syndrome. Identifiers: Orphanet 892, MedGen C0019562, MONDO:0008667, OMIM 193300. Disease mechanism: loss of function.

Submission:

Labcorp Genetics (formerly Invitae), Labcorp
Classification: Likely pathogenic for Von Hippel-Lindau syndrome; Chuvash polycythemia. Last evaluated: 2025-02-03. Review status: criteria provided, single submitter. Criteria: Invitae Variant Classification Sherloc (09022015). Collection method: clinical testing. Allele origin: germline.
Comment: This sequence change replaces glutamic acid, which is acidic and polar, with glutamine, which is neutral and polar, at codon 70 of the VHL protein (p.Glu70Gln). This variant is not present in population databases (gnomAD no frequency). This variant has not been reported in the literature in individuals affected with VHL-related conditions. ClinVar contains an entry for this variant (Variation ID: 847948). Invitae Evidence Modeling of protein sequence and biophysical properties (such as structural, functional, and spatial information, amino acid conservation, physicochemical variation, residue mobility, and thermodynamic stability) indicates that this missense variant is expected to disrupt VHL protein function with a positive predictive value of 95%. This variant disrupts the p.Glu70 amino acid residue in VHL. Other variant(s) that disrupt this residue have been determined to be pathogenic (PMID: 9829912, 17661816, 19270817, 19408298, 25078357, 25562111, 25715769, 27439424; internal data). This suggests that this residue is clinically significant, and that variants that disrupt this residue are likely to be disease-causing. In summary, the currently available evidence indicates that the variant is pathogenic, but additional data are needed to prove that conclusively. Therefore, this variant has been classified as Likely Pathogenic.

Literature cited by the submitters: PubMed 9829912; PubMed 17661816; PubMed 19270817; PubMed 19408298; PubMed 25078357; PubMed 25562111; PubMed 25715769; PubMed 27439424.